The following is an entry in ClinVar:

ClinVar aggregate classification (germline): Uncertain significance (1 of 4 stars; one submission).

Conditions:
Familial adenomatous polyposis 1 (FAP1). Also called: POLYPOSIS, ADENOMATOUS INTESTINAL; FAMILIAL ADENOMATOUS POLYPOSIS 1, ATTENUATED. Identifiers: MedGen C2713442, MONDO:0021056, OMIM 175100. Disease mechanism: loss of function.

Submission:

Labcorp Genetics (formerly Invitae), Labcorp
Classification: Uncertain significance for Familial adenomatous polyposis 1. Last evaluated: 2024-05-28. Review status: criteria provided, single submitter. Criteria: Invitae Variant Classification Sherloc (09022015). Collection method: clinical testing. Allele origin: germline.
Comment: This variant occurs in a non-coding region of the APC gene. It does not change the encoded amino acid sequence of the APC protein. This variant is not present in population databases (gnomAD no frequency). This variant has not been reported in the literature in individuals affected with APC-related conditions. Experimental studies and prediction algorithms are not available or were not evaluated, and the functional significance of this variant is currently unknown. In summary, the available evidence is currently insufficient to determine the role of this variant in disease. Therefore, it has been classified as a Variant of Uncertain Significance.

NC_000005.10:g.112707318C>T

Gene: APC (APC regulator of Wnt signaling pathway; plus strand). Cytogenetic location: 5q22.2.
Variant type: single nucleotide variant.
Genome position: GRCh38 VCF-style: chr5-112707318-C-T. GRCh37 (hg19) VCF-style: chr5-112043015-C-T.
Identifiers: ClinVar variation 3676580 (VCV003676580.2).